The following is an entry in ClinVar:

NM_002693.3(POLG):c.2207A>G (p.Asn736Ser)

Gene: POLG (DNA polymerase gamma, catalytic subunit; minus strand). Cytogenetic location: 15q26.1.
Variant type: single nucleotide variant.
Coding change: c.2207A>G on transcript NM_002693.3 (MANE Select); coding-DNA position 2207, A replaced by G.
Protein change: p.Asn736Ser; replaces asparagine 736 with serine.
Molecular consequence: missense variant.
Genome position (GRCh38, 1-based): chr15:89,323,462, T>C on the plus strand (A>G on the coding strand, the complement: POLG is on the minus strand). VCF-style: chr15-89323462-T-C. GRCh37 (hg19) VCF-style: chr15-89866693-T-C.
Other names: p.N736S:AAT>AGT; p.Asn736Ser; c.2207A>G, p.Asn736Ser (NM_001126131.2); short protein forms N736S.
Identifiers: ClinVar variation 206516 (VCV000206516.74), dbSNP rs138457939, ClinGen allele CA316678.

ClinVar aggregate classification (germline): Conflicting classifications of pathogenicity. Review status: criteria provided, conflicting classifications (1 of 4 stars). 17 submissions from 17 submitters: Uncertain significance (9); Benign (1); Likely benign (2). 5 of the submissions do not count toward it. Last evaluated 2026-01-27.

Conditions:
POLG-related disorder. Also called: POLG-Related Spectrum Disorders; POLG-related condition; POLG-Related Disorders. Identifiers: MedGen C4763519.
Inborn genetic diseases. Identifiers: MedGen C0950123, MeSH D030342.
Progressive external ophthalmoplegia with mitochondrial DNA deletions, autosomal dominant 1 (PEOA1). Also called: PROGRESSIVE EXTERNAL OPHTHALMOPLEGIA, AUTOSOMAL DOMINANT 1; Autosomal Dominant Progressive External Ophthalmoplegia (adPEO). Identifiers: MedGen C1834846, MONDO:0024528, OMIM 157640.
Progressive external ophthalmoplegia with mitochondrial DNA deletions, autosomal recessive 1 (PEOB1). Also called: Progressive external ophthalmoplegia, autosomal recessive 1; Autosomal Recessive Progressive External Ophthalmoplegia (arPEO). Identifiers: Orphanet 254886, MedGen C4225153, MONDO:0009783, OMIM 258450.
Sensory ataxic neuropathy, dysarthria, and ophthalmoparesis (SANDO). Also called: Sensory ataxic neuropathy-dysarthria-ophthalmoparesis syndrome; Ataxia Neuropathy Spectrum (ANS); SENSORY ATAXIC NEUROPATHY WITH MITOCHONDRIAL DNA DELETIONS, AUTOSOMAL RECESSIVE; Epilepsy, progressive myoclonic, type 5. Identifiers: Orphanet 70595, MedGen C1843851, MONDO:0011835, OMIM 607459.
Progressive sclerosing poliodystrophy (MTDPS4A). Also called: Mitochondrial DNA depletion syndrome 4A (Alpers type); Mitochondrial DNA Depletion Syndrome 4A; ALPERS PROGRESSIVE INFANTILE POLIODYSTROPHY; Alpers-Huttenlocher Syndrome; Alpers Syndrome; ALPERS DIFFUSE DEGENERATION OF CEREBRAL GRAY MATTER WITH HEPATIC CIRRHOSIS. Identifiers: Orphanet 726, MedGen C0205710, MONDO:0008758, OMIM 203700.
Mitochondrial DNA depletion syndrome 4b. Also called: Mitochondrial Neurogastrointestinal Encephalopathy Disease, POLG-Related; MNGIE, POLG-RELATED. Identifiers: Orphanet 298, MedGen C3150914, MONDO:0013350, OMIM 613662.
Mitochondrial DNA depletion syndrome 1. Also called: Mitochondrial DNA Depletion Syndrome, MNGIE Form; Mitochondrial DNA depletion syndrome 1 (MNGIE type); Mitochondrial Neurogastrointestinal Encephalopathy Disease; MITOCHONDRIAL NEUROGASTROINTESTINAL ENCEPHALOPATHY SYNDROME, TYMP-RELATED; MNGIE, TYMP-RELATED; Mitochondrial neurogastrointestinal encephalomyopathy syndrome. Identifiers: Orphanet 298, MedGen C4551995, MONDO:0011283, OMIM 603041.
Intellectual disability. Also called: Intellectual functioning disability; intellectual disabilities; Intellectual developmental disorder. Identifiers: MedGen C3714756, MeSH D008607, MONDO:0001071, HP:0001249.
Tip-toe gait. Also called: Toe walking. Identifiers: MedGen C0427144, HP:0030051.

Allele frequency attached by ClinVar (database versions not stated): 1000 Genomes Project 0.00020; 1000 Genomes Project 30x 0.00031; gnomAD exomes 0.00032 and 0.00038; ExAC 0.00036; ESP Exome Variant Server 0.00054; gnomAD 0.00058 and 0.00092; TOPMed 0.00104.
gnomAD v4.1: 690 of 1,614,046 alleles (0.043%); highest among the groups gnomAD compares: African/African-American, 0.11%; 4 homozygotes.

Submissions 1 to 11 of 17:

Labcorp Genetics (formerly Invitae), Labcorp
Classification: Likely benign for Progressive sclerosing poliodystrophy. Last evaluated: 2026-01-27. Review status: criteria provided, single submitter. Criteria: Invitae Variant Classification Sherloc (09022015). Collection method: clinical testing. Allele origin: germline.

Mayo Clinic Laboratories, Mayo Clinic
Classification: Uncertain significance. Last evaluated: 2025-07-15. Review status: criteria provided, single submitter. Criteria: ACMG Guidelines, 2015. Collection method: clinical testing. Allele origin: germline. Observed: 2 variant alleles.

Women's Health and Genetics/Laboratory Corporation of America, LabCorp
Classification: Uncertain significance. Last evaluated: 2024-12-09. Review status: criteria provided, single submitter. Criteria: LabCorp Variant Classification Summary - May 2015. Collection method: clinical testing. Allele origin: germline.
Comment: Variant summary: POLG c.2207A>G (p.Asn736Ser) results in a conservative amino acid change located in the DNA/RNA polymerase domain (IPR043502) of the encoded protein sequence. Three of five in-silico tools predict a damaging effect of the variant on protein function. The variant allele was found at a frequency of 0.00032 in 251376 control chromosomes, predominantly at a frequency of 0.0012 within the African or African-American subpopulation in the gnomAD database. This frequency is not significantly higher than estimated for a pathogenic variant in POLG causing POLG-Related Spectrum Disorders, however suggests that the variant may be benign. c.2207A>G has been reported in the literature in heterozygous individuals affected with Progressive external ophthalmoplegia (Bychkov_2021), and depression, ataxia and cardiomyopathy (Verhoeven_2011). These reports do not provide unequivocal conclusions about association of the variant with POLG-Related Spectrum Disorders. To our knowledge, no experimental evidence demonstrating an impact on protein function has been reported. The following publications have been ascertained in the context of this evaluation (PMID: 33486010, 21654874). ClinVar contains an entry for this variant (Variation ID: 206516). Based on the evidence outlined above, the variant was classified as VUS-possibly benign.

Ambry Genetics
Classification: Uncertain significance for Inborn genetic diseases. Last evaluated: 2023-09-27. Review status: criteria provided, single submitter. Criteria: Ambry Variant Classification Scheme 2023. Collection method: clinical testing. Allele origin: germline.
Comment: Unlikely to be causative of autosomal dominant progressive external ophthalmoplegia (AD) Based on insufficient or conflicting evidence, the clinical significance of this alteration remains unclear.

Athena Diagnostics
Classification: Uncertain significance. Last evaluated: 2023-09-01. Review status: criteria provided, single submitter. Criteria: Athena Diagnostics Criteria. Collection method: clinical testing. Allele origin: unknown.
Comment: Available data are insufficient to determine the clinical significance of the variant at this time. The frequency of this variant in the general population is uninformative in assessment of its pathogenicity. In multiple individuals, this variant has been seen where an alternate explanation for disease was also identified, suggesting this variant is unlikely to cause disease. Computational tools disagree on the variant's effect on normal protein function.

CeGaT Center for Human Genetics Tuebingen
Classification: Uncertain significance. Last evaluated: 2022-09-01. Review status: criteria provided, single submitter. Criteria: CeGaT Center For Human Genetics Tuebingen Variant Classification Criteria Version 2. Collection method: clinical testing. Allele origin: germline. Affected: yes. Observed: 2 variant alleles.

GeneDx
Classification: Likely benign. Last evaluated: 2021-02-09. Review status: criteria provided, single submitter. Criteria: GeneDx Variant Classification Process June 2021. Collection method: clinical testing. Allele origin: germline. Affected: yes.
Comment: In silico analysis, which includes protein predictors and evolutionary conservation, supports that this variant does not alter protein structure/function; This variant is associated with the following publications: (PMID: 23299917, 21654874, 21880868, 31996268)

Wong Mito Lab, Molecular and Human Genetics, Baylor College of Medicine
Classification: Benign for Progressive sclerosing poliodystrophy. Last evaluated: 2018-10-01. Review status: criteria provided, single submitter. Criteria: ACMG Guidelines, 2015. Collection method: clinical testing. Allele origin: germline.
Comment: The NM_002693.2:c.2207A>G (NP_002684.1:p.Asn736Ser) [GRCH38: NC_000015.10:g.89323462T>C] variant in POLG gene is interpretated to be a Benign based on ACMG guidelines (PMID: 25741868). This variant meets the following evidence codes reported in the ACMG-guideline. BS1:The minor allele frequency of this allele is high for Mitochondrial DNA depletion syndrome 4A (Alpers type). BS2:Observation of the variant in controls is inconsistent with penetrance of Mitochondrial DNA depletion syndrome 4A (Alpers type). BP4:Computational evidence/predictors indicate no impact on the POLG structure, function, or protein-protein interaction. Based on the evidence criteria codes applied, the variant is suggested to be Benign.

Eurofins Ntd Llc (ga)
Classification: Uncertain significance. Last evaluated: 2018-04-27. Review status: criteria provided, single submitter. Criteria: EGL ClinVar v180209 classification definitions. Collection method: clinical testing. Allele origin: germline. Observed: 7 variant alleles, 7 heterozygotes.

Fulgent Genetics
Classification: Uncertain significance for Progressive external ophthalmoplegia with mitochondrial DNA deletions, autosomal dominant 1; Progressive sclerosing poliodystrophy; Progressive external ophthalmoplegia with mitochondrial DNA deletions, autosomal recessive 1; Mitochondrial DNA depletion syndrome 1; Sensory ataxic neuropathy, dysarthria, and ophthalmoparesis; Mitochondrial DNA depletion syndrome 4b. Last evaluated: 2017-05-23. Review status: criteria provided, single submitter. Criteria: ACMG Guidelines, 2015. Collection method: clinical testing. Allele origin: unknown.

Illumina Laboratory Services, Illumina
Classification: Uncertain significance for POLG-Related Spectrum Disorders. Last evaluated: 2017-04-28. Review status: criteria provided, single submitter. Criteria: ICSL Variant Classification Criteria 13 December 2019. Collection method: clinical testing. Allele origin: germline.
Comment: This variant was observed as part of a predisposition screen in an ostensibly healthy population. A literature search was performed for the gene, cDNA change, and amino acid change (where applicable). Publications were found based on this search. However, the evidence from the literature, in combination with allele frequency data from public databases where available, was not sufficient to rule this variant in or out of causing disease. Therefore, this variant is classified as a variant of unknown significance.